The following is an entry in ClinVar:

ClinVar aggregate classification (germline): Uncertain significance. Review status: criteria provided, multiple submitters, no conflicts (2 of 4 stars). 2 submissions from 2 submitters: Uncertain significance (2). Last evaluated 2024-12-18.

Conditions:
Hypertrophic cardiomyopathy. Also called: HYPERTROPHIC MYOCARDIOPATHY. Identifiers: Orphanet 217569, MedGen C0007194, MeSH D002312, MONDO:0005045, HP:0001639.

Allele frequency attached by ClinVar (database versions not stated): gnomAD 0.00001.

Submissions (2):

Ambry Genetics
Classification: Uncertain significance. Last evaluated: 2024-12-18. Review status: criteria provided, single submitter. Criteria: Ambry Variant Classification Scheme 2023. Collection method: clinical testing. Allele origin: germline.
Comment: The p.H1494R variant (also known as c.4481A>G), located in coding exon 32 of the MYOM1 gene, results from an A to G substitution at nucleotide position 4481. The histidine at codon 1494 is replaced by arginine, an amino acid with highly similar properties. This amino acid position is conserved. In addition, this alteration is predicted to be tolerated by in silico analysis. Since supporting evidence is limited at this time, the clinical significance of this alteration remains unclear.

Labcorp Genetics (formerly Invitae), Labcorp
Classification: Uncertain significance for Hypertrophic cardiomyopathy. Last evaluated: 2024-11-10. Review status: criteria provided, single submitter. Criteria: Invitae Variant Classification Sherloc (09022015). Collection method: clinical testing. Allele origin: germline.
Comment: This sequence change replaces histidine, which is basic and polar, with arginine, which is basic and polar, at codon 1494 of the MYOM1 protein (p.His1494Arg). This variant is not present in population databases (gnomAD no frequency). This variant has not been reported in the literature in individuals affected with MYOM1-related conditions. ClinVar contains an entry for this variant (Variation ID: 1740914). Invitae Evidence Modeling of protein sequence and biophysical properties (such as structural, functional, and spatial information, amino acid conservation, physicochemical variation, residue mobility, and thermodynamic stability) indicates that this missense variant is not expected to disrupt MYOM1 protein function with a negative predictive value of 80%. In summary, the available evidence is currently insufficient to determine the role of this variant in disease. Therefore, it has been classified as a Variant of Uncertain Significance.

NM_003803.4(MYOM1):c.4481A>G (p.His1494Arg)

Gene: MYOM1 (myomesin 1; minus strand). Cytogenetic location: 18p11.31.
Variant type: single nucleotide variant.
Coding change: c.4481A>G on transcript NM_003803.4 (MANE Select); coding-DNA position 4481, A replaced by G.
Protein change: p.His1494Arg; replaces histidine 1494 with arginine.
Molecular consequence: missense variant.
Genome position (GRCh38, 1-based): chr18:3,083,792, T>C on the plus strand (A>G on the coding strand, the complement: MYOM1 is on the minus strand). VCF-style: chr18-3083792-T-C. GRCh37 (hg19) VCF-style: chr18-3083790-T-C.
Other names: c.4193A>G, p.His1398Arg (NM_019856.2); short protein forms H1398R, H1494R.
Identifiers: ClinVar variation 1740914 (VCV001740914.6), dbSNP rs2079117218, ClinGen allele CA401709419.